The following is an entry in ClinVar:

ClinVar aggregate classification (germline): Uncertain significance. Review status: criteria provided, multiple submitters, no conflicts (2 of 4 stars). 2 submissions from 2 submitters: Uncertain significance (2). Last evaluated 2025-10-16.

Conditions:
Thyroid dyshormonogenesis 6 (TDH6). Also called: Genetic transient congenital hypothyroidism; THYROID HORMONOGENESIS, GENETIC DEFECT IN, 6; HYPOTHYROIDISM, CONGENITAL, DUE TO DYSHORMONOGENESIS, 6. Identifiers: Orphanet 226316, Orphanet 95716, MedGen C1846632, MONDO:0011792, OMIM 607200.

Allele frequency attached by ClinVar (database versions not stated): ExAC 0.00003; gnomAD 0.00003; gnomAD exomes 0.00004; TOPMed 0.00005.

Submissions (2):

Labcorp Genetics (formerly Invitae), Labcorp
Classification: Uncertain significance. Last evaluated: 2025-10-16. Review status: criteria provided, single submitter. Criteria: Invitae Variant Classification Sherloc (09022015). Collection method: clinical testing. Allele origin: germline.
Comment: This sequence change replaces tyrosine, which is neutral and polar, with aspartic acid, which is acidic and polar, at codon 1466 of the DUOX2 protein (p.Tyr1466Asp). This variant is present in population databases (rs770412777, gnomAD 0.01%). This variant has not been reported in the literature in individuals affected with DUOX2-related conditions. ClinVar contains an entry for this variant (Variation ID: 1470003). An algorithm developed to predict the effect of missense changes on protein structure and function (PolyPhen-2) suggests that this variant is likely to be disruptive. In summary, the available evidence is currently insufficient to determine the role of this variant in disease. Therefore, it has been classified as a Variant of Uncertain Significance.

Fulgent Genetics
Classification: Uncertain significance for Thyroid dyshormonogenesis 6. Last evaluated: 2021-07-12. Review status: criteria provided, single submitter. Criteria: ACMG Guidelines, 2015. Collection method: clinical testing. Allele origin: unknown.

NM_001363711.2(DUOX2):c.4396T>G (p.Tyr1466Asp)

Gene: DUOX2 (dual oxidase 2; minus strand). Cytogenetic location: 15q21.1.
Variant type: single nucleotide variant.
Coding change: c.4396T>G on transcript NM_001363711.2 (MANE Select); coding-DNA position 4396, T replaced by G.
Protein change: p.Tyr1466Asp; replaces tyrosine 1466 with aspartic acid.
Molecular consequence: missense variant.
Genome position (GRCh38, 1-based): chr15:45,094,691, A>C on the plus strand (T>G on the coding strand, the complement: DUOX2 is on the minus strand). VCF-style: chr15-45094691-A-C. GRCh37 (hg19) VCF-style: chr15-45386889-A-C.
Other names: c.4396T>G, p.Tyr1466Asp (NM_014080.5); short protein forms Y1466D.
Identifiers: ClinVar variation 1470003 (VCV001470003.9), dbSNP rs770412777, ClinGen allele CA7537524.